The following is an entry in ClinVar:

ClinVar aggregate classification (germline): Pathogenic/Likely pathogenic. Review status: criteria provided, multiple submitters, no conflicts (2 of 4 stars). 6 submissions from 6 submitters: Pathogenic (1); Likely pathogenic (4). 1 of the submissions does not count toward it. Last evaluated 2025-09-07.

Conditions:
Joubert syndrome 5 (JBTS5). Identifiers: Orphanet 2318, MedGen C1857780, MONDO:0012432, OMIM 610188.
Leber congenital amaurosis 10 (LCA10). Identifiers: Orphanet 65, MedGen C1857821, MONDO:0012723, OMIM 611755.
Bardet-Biedl syndrome 14 (BBS14). Identifiers: Orphanet 110, MedGen C2673874, MONDO:0014442, OMIM 615991.
Meckel syndrome, type 4 (MKS4). Also called: MECKEL-GRUBER SYNDROME, TYPE 4. Identifiers: Orphanet 564, MedGen C1970161, MONDO:0012626, OMIM 611134.
Senior-Loken syndrome 6 (SLSN6). Identifiers: Orphanet 3156, MedGen C1857779, MONDO:0012433, OMIM 610189.
Meckel-Gruber syndrome. Also called: Dysencephalia splachnocystica; DYSENCEPHALIA SPLANCHNOCYSTICA; GRUBER SYNDROME. Identifiers: Orphanet 564, MedGen C0265215, MONDO:0018921.
Nephronophthisis. Also called: Juvenile Nephronophthisis. Identifiers: Orphanet 655, MedGen C0687120, MONDO:0019005, HP:0000090.
Joubert syndrome. Also called: Familial aplasia of the vermis; CEREBELLOPARENCHYMAL DISORDER IV; JOUBERT-BOLTSHAUSER SYNDROME. Identifiers: Orphanet 475, MedGen C5979921, MONDO:0018772.
CEP290-related disorder. Also called: CEP290-related condition; CEP290-related disorders. Identifiers: MedGen CN239314.
Leber congenital amaurosis (LCA). Also called: Leber's amaurosis. Identifiers: Orphanet 65, MedGen C0339527, MeSH D057130, MONDO:0018998.

Submissions (6):

Labcorp Genetics (formerly Invitae), Labcorp
Classification: Pathogenic for Joubert syndrome; Meckel-Gruber syndrome; Nephronophthisis. Last evaluated: 2025-09-07. Review status: criteria provided, single submitter. Criteria: Invitae Variant Classification Sherloc (09022015). Collection method: clinical testing. Allele origin: germline.
Comment: This sequence change creates a premature translational stop signal (p.Tyr2429*) in the CEP290 gene. While this is not anticipated to result in nonsense mediated decay, it is expected to disrupt the last 51 amino acid(s) of the CEP290 protein. This variant is present in population databases (rs773642187, gnomAD 0.02%). This variant has not been reported in the literature in individuals affected with CEP290-related conditions. ClinVar contains an entry for this variant (Variation ID: 956518). Algorithms developed to predict the effect of sequence changes on RNA splicing suggest that this variant may create or strengthen a splice site. This variant disrupts a region of the CEP290 protein in which other variant(s) (p.Thr2457Alafs*27) have been determined to be pathogenic (PMID: 20683928). This suggests that this is a clinically significant region of the protein, and that variants that disrupt it are likely to be disease-causing. For these reasons, this variant has been classified as Pathogenic.

Natera, Inc.
Classification: Likely pathogenic for Leber congenital amaurosis. Last evaluated: 2025-07-17. Review status: criteria provided, single submitter. Criteria: Natera Variant Classification Schema (03/2026). Collection method: clinical testing. Allele origin: germline.
Comment: The c.7283_7286dupAGTA variant in CEP290 is a frameshift variant predicted to shift the reading frame and introduce a stop codon. This variant is expected to result in nonsense mediated decay, truncation, or a dysfunctional protein product. This variant is rare in the general population with a frequency below the threshold expected for the associated phenotype(s). Given the available evidence, this variant is classified as Likely Pathogenic.

Fulgent Genetics
Classification: Likely pathogenic for Joubert syndrome 5; Senior-Loken syndrome 6; Meckel syndrome, type 4; Leber congenital amaurosis 10; Bardet-Biedl syndrome 14. Last evaluated: 2024-05-23. Review status: criteria provided, single submitter. Criteria: ACMG Guidelines, 2015. Collection method: clinical testing. Allele origin: germline.

Baylor Genetics
Classification: Likely pathogenic for Bardet-Biedl syndrome 14. Last evaluated: 2024-03-22. Review status: criteria provided, single submitter. Criteria: ACMG Guidelines, 2015. Collection method: clinical testing. Allele origin: unknown.

Genome-Nilou Lab
Classification: Likely pathogenic for Joubert syndrome 5. Last evaluated: 2021-07-22. Review status: criteria provided, single submitter. Criteria: ACMG Guidelines, 2015. Collection method: clinical testing. Allele origin: germline. Affected: no.

PreventionGenetics, part of Exact Sciences
Classification: Likely pathogenic for CEP290-related condition. Last evaluated: 2024-02-07. Review status: no assertion criteria provided. Collection method: clinical testing. Allele origin: germline. Not counted in ClinVar's aggregate classification.
Comment: The CEP290 c.7283_7286dupAGTA variant is predicted to result in premature protein termination (p.Tyr2429*). To our knowledge, this variant has not been reported in the literature. This variant is reported in 0.017% of alleles in individuals of African descent in gnomAD. Nonsense variants in CEP290 are expected to be pathogenic. This variant is interpreted as likely pathogenic.

Literature cited by the submitters: PubMed 20683928 (cited by Labcorp Genetics (formerly Invitae), Labcorp).

NM_025114.4(CEP290):c.7283_7286dup (p.Tyr2429Ter)

Genes: CEP290 (centrosomal protein 290; minus strand), RLIG1 (RNA 5'-phosphate and 3'-OH ligase 1; plus strand). Cytogenetic location: 12q21.32.
Variant type: Duplication.
Coding change: c.7283_7286dup on transcript NM_025114.4 (MANE Select); coding-DNA positions 7283 to 7286, 4 bases duplicated (AGTA; older notation c.7283_7286dupAGTA).
Protein change: p.Tyr2429Ter; replaces tyrosine 2429 with a stop codon.
Molecular consequence: nonsense. On other transcripts: 3 prime UTR variant (1).
Genome position (GRCh38, 1-based): chr12:88,049,338-88,049,341, TACT duplicated on the plus strand (AGTA on the coding strand, the reverse complement: CEP290 is on the minus strand); duplicating any 4 consecutive bases within chr12:88,049,338-88,049,343 gives the same sequence; the c. name uses the placement nearest the transcript's 3' end. VCF-style (leftmost placement, unchanged base first): chr12-88049337-A-ATACT. GRCh37 (hg19) VCF-style: chr12-88443114-A-ATACT.
Other names: c.7283_7286dupAGTA (NM_025114.3); c.*918_*921dup (NM_001009894.3); short protein forms Y2429*.
Identifiers: ClinVar variation 956518 (VCV000956518.18), dbSNP rs773642187, ClinGen allele CA6711303.
Genomic context (GRCh38, chr12:88,049,337, plus strand): 5'-TGAAAGTTTTTTTACCTTCTCTTCTAAGAGAATATTCTTCTTCACTTCTTCCTTGTAATT[A>ATACT]TACTTAAGATCTTCAATTTCTTCAAAAAATGAAGGATCAAAATTTTCCAGTTCTTTTTTC-3'